The following is an entry in ClinVar:

ClinVar aggregate classification (germline): Uncertain significance (1 of 4 stars; one submission).

Conditions:
Fanconi anemia complementation group O. Also called: RAD51C-Related Fanconi Anemia. Identifiers: Orphanet 84, MedGen C3150653, MONDO:0013248, OMIM 613390.

Submission:

Labcorp Genetics (formerly Invitae), Labcorp
Classification: Uncertain significance for Fanconi anemia complementation group O. Last evaluated: 2019-05-02. Review status: criteria provided, single submitter. Criteria: Invitae Variant Classification Sherloc (09022015). Collection method: clinical testing. Allele origin: germline.
Comment: This sequence change replaces alanine with proline at codon 139 of the RAD51C protein (p.Ala139Pro). The alanine residue is highly conserved and there is a small physicochemical difference between alanine and proline. This variant is not present in population databases (ExAC no frequency). This variant has not been reported in the literature in individuals with RAD51C-related conditions. Algorithms developed to predict the effect of missense changes on protein structure and function are either unavailable or do not agree on the potential impact of this missense change (SIFT: "Deleterious"; PolyPhen-2: "Probably Damaging"; Align-GVGD: "Class C0"). In summary, the available evidence is currently insufficient to determine the role of this variant in disease. Therefore, it has been classified as a Variant of Uncertain Significance.

NM_058216.3(RAD51C):c.415G>C (p.Ala139Pro)

Gene: RAD51C (RAD51 paralog C; plus strand). Cytogenetic location: 17q22.
Variant type: single nucleotide variant.
Coding change: c.415G>C on transcript NM_058216.3 (MANE Select); coding-DNA position 415, G replaced by C.
Protein change: p.Ala139Pro; replaces alanine 139 with proline.
Molecular consequence: missense variant.
Genome position (GRCh38, 1-based): chr17:58,696,703, G>C. VCF-style: chr17-58696703-G-C. GRCh37 (hg19) VCF-style: chr17-56774064-G-C.
Other names: short protein forms A139P.
Identifiers: ClinVar variation 945078 (VCV000945078.9), dbSNP rs2048021584, ClinGen allele CA400343808.
Genomic context (GRCh38, chr17:58,696,703, plus strand): 5'-ACCTTAGATCATCATCATGATTTGGTTGTTTGTCATCTTTCTGTTGACAGTATGCAGTTG[G>C]CAGTAGATGTGCAGATACCAGAATGTTTTGGAGGAGTGGCAGGTGAAGCAGTTTTTATTG-3'
Protein context (NP_478123.1, residues 129-149): VGKTQLCMQL[Ala139Pro]VDVQIPECFG